The following is an entry in ClinVar:

ClinVar aggregate classification (germline): Uncertain significance. Review status: criteria provided, multiple submitters, no conflicts (2 of 4 stars). 2 submissions from 2 submitters: Uncertain significance (2). Last evaluated 2025-02-08.

Allele frequency attached by ClinVar (database versions not stated): gnomAD 0.00001; TOPMed 0.00001.

Submissions (2):

Ambry Genetics
Classification: Uncertain significance. Last evaluated: 2025-02-08. Review status: criteria provided, single submitter. Criteria: Ambry Variant Classification Scheme 2023. Collection method: clinical testing. Allele origin: germline.
Comment: The p.Y559C variant (also known as c.1676A>G), located in coding exon 13 of the RECQL gene, results from an A to G substitution at nucleotide position 1676. The tyrosine at codon 559 is replaced by cysteine, an amino acid with highly dissimilar properties. This amino acid position is conserved. In addition, this alteration is predicted to be tolerated by in silico analysis. Since supporting evidence is limited at this time, the clinical significance of this alteration remains unclear.

Labcorp Genetics (formerly Invitae), Labcorp
Classification: Uncertain significance. Last evaluated: 2024-03-06. Review status: criteria provided, single submitter. Criteria: Invitae Variant Classification Sherloc (09022015). Collection method: clinical testing. Allele origin: germline.
Comment: This sequence change replaces tyrosine, which is neutral and polar, with cysteine, which is neutral and slightly polar, at codon 559 of the RECQL protein (p.Tyr559Cys). This variant is not present in population databases (gnomAD no frequency). This variant has not been reported in the literature in individuals affected with RECQL-related conditions. ClinVar contains an entry for this variant (Variation ID: 965141). An algorithm developed to predict the effect of missense changes on protein structure and function (PolyPhen-2) suggests that this variant is likely to be disruptive. In summary, the available evidence is currently insufficient to determine the role of this variant in disease. Therefore, it has been classified as a Variant of Uncertain Significance.

NM_002907.4(RECQL):c.1676A>G (p.Tyr559Cys)

Genes: PYROXD1 (pyridine nucleotide-disulphide oxidoreductase domain 1; plus strand), RECQL (RecQ like helicase; minus strand). Cytogenetic location: 12p12.1.
Variant type: single nucleotide variant.
Coding change: c.1676A>G on transcript NM_002907.4 (MANE Select); coding-DNA position 1676, A replaced by G.
Protein change: p.Tyr559Cys; replaces tyrosine 559 with cysteine.
Molecular consequence: missense variant. On other transcripts: 3 prime UTR variant (3).
Genome position (GRCh38, 1-based): chr12:21,471,090, T>C on the plus strand (A>G on the coding strand, the complement: RECQL is on the minus strand). VCF-style: chr12-21471090-T-C. GRCh37 (hg19) VCF-style: chr12-21624024-T-C.
Other names: c.1676A>G, p.Tyr559Cys (NM_032941.3); c.*2336T>C (NM_001350912.2, NM_001350913.2, NM_024854.5); short protein forms Y559C.
Identifiers: ClinVar variation 965141 (VCV000965141.13), dbSNP rs1942943333, ClinGen allele CA384114778.
Genomic context (GRCh38, chr12:21,471,090, plus strand): 5'-AGAAGATTAGCTTTAGGTCCTATTTTCAAATACGAAATGGTAGCATAAGCTGTAAAACTG[T>C]AGTCTTCTCTGCAGAAAATAAAGGCCAACAATAAGAAAGCTTTTGAAGGAATCACGGAAA-3'
Protein context (NP_002898.2, residues 549-569): FLIQQYLKED[Tyr559Cys]SFTAYATISY